The following is an entry in ClinVar:

ClinVar aggregate classification (germline): Uncertain significance (1 of 4 stars; one submission).

Submission:

Labcorp Genetics (formerly Invitae), Labcorp
Classification: Uncertain significance. Last evaluated: 2024-05-04. Review status: criteria provided, single submitter. Criteria: Invitae Variant Classification Sherloc (09022015). Collection method: clinical testing. Allele origin: germline.
Comment: This sequence change replaces asparagine, which is neutral and polar, with lysine, which is basic and polar, at codon 986 of the KMT2E protein (p.Asn986Lys). This variant is not present in population databases (gnomAD no frequency). This variant has not been reported in the literature in individuals affected with KMT2E-related conditions. Advanced modeling of protein sequence and biophysical properties (such as structural, functional, and spatial information, amino acid conservation, physicochemical variation, residue mobility, and thermodynamic stability) performed at Invitae indicates that this missense variant is not expected to disrupt KMT2E protein function with a negative predictive value of 80%. In summary, the available evidence is currently insufficient to determine the role of this variant in disease. Therefore, it has been classified as a Variant of Uncertain Significance.

NM_182931.3(KMT2E):c.2958T>G (p.Asn986Lys)

Gene: KMT2E (lysine methyltransferase 2E (inactive); plus strand). Cytogenetic location: 7q22.3.
Variant type: single nucleotide variant.
Coding change: c.2958T>G on transcript NM_182931.3 (MANE Select); coding-DNA position 2958, T replaced by G.
Protein change: p.Asn986Lys; replaces asparagine 986 with lysine.
Molecular consequence: missense variant.
Genome position (GRCh38, 1-based): chr7:105,107,415, T>G. VCF-style: chr7-105107415-T-G. GRCh37 (hg19) VCF-style: chr7-104747862-T-G.
Other names: c.2958T>G, p.Asn986Lys (NM_001410908.1, NM_018682.4); short protein forms N986K.
Identifiers: ClinVar variation 3652106 (VCV003652106.2).